The following is an entry in ClinVar:

NM_001498.4(GCLC):c.482A>G (p.Lys161Arg)

Gene: GCLC (glutamate-cysteine ligase catalytic subunit; minus strand). Cytogenetic location: 6p12.1.
Variant type: single nucleotide variant.
Coding change: c.482A>G on transcript NM_001498.4 (MANE Select); coding-DNA position 482, A replaced by G.
Protein change: p.Lys161Arg; replaces lysine 161 with arginine.
Molecular consequence: missense variant. On other transcripts: intron variant (1).
Genome position (GRCh38, 1-based): chr6:53,516,187, T>C on the plus strand (A>G on the coding strand, the complement: GCLC is on the minus strand). VCF-style: chr6-53516187-T-C. GRCh37 (hg19) VCF-style: chr6-53380985-T-C.
Other names: c.447-1690A>G (NM_001197115.2); short protein forms K161R.
Identifiers: ClinVar variation 930219 (VCV000930219.6), dbSNP rs376535220, ClinGen allele CA3860350.

ClinVar aggregate classification (germline): Uncertain significance. Review status: criteria provided, multiple submitters, no conflicts (2 of 4 stars). 2 submissions from 2 submitters: Uncertain significance (2). Last evaluated 2023-08-23.

Conditions:
Gamma-glutamylcysteine synthetase deficiency (CNSHA7). Also called: ANEMIA, CONGENITAL, NONSPHEROCYTIC HEMOLYTIC, 7. Identifiers: Orphanet 33574, MedGen C1856603, MONDO:0009259, OMIM 230450.

Allele frequency attached by ClinVar (database versions not stated): gnomAD 0.00001; gnomAD exomes 0.00005; TOPMed 0.00005; ExAC 0.00007; ESP Exome Variant Server 0.00008.

Submissions (2):

Labcorp Genetics (formerly Invitae), Labcorp
Classification: Uncertain significance. Last evaluated: 2023-08-23. Review status: criteria provided, single submitter. Criteria: Invitae Variant Classification Sherloc (09022015). Collection method: clinical testing. Allele origin: germline.
Comment: Algorithms developed to predict the effect of missense changes on protein structure and function output the following: SIFT: "Not Available"; PolyPhen-2: "Benign"; Align-GVGD: "Not Available". The arginine amino acid residue is found in multiple mammalian species, which suggests that this missense change does not adversely affect protein function. ClinVar contains an entry for this variant (Variation ID: 930219). This variant has not been reported in the literature in individuals affected with GCLC-related conditions. This variant is present in population databases (rs376535220, gnomAD 0.01%). This sequence change replaces lysine, which is basic and polar, with arginine, which is basic and polar, at codon 161 of the GCLC protein (p.Lys161Arg). In summary, the available evidence is currently insufficient to determine the role of this variant in disease. Therefore, it has been classified as a Variant of Uncertain Significance.

Centre for Mendelian Genomics, University Medical Centre Ljubljana
Classification: Uncertain significance for Gamma-glutamylcysteine synthetase deficiency. Last evaluated: 2018-11-16. Review status: criteria provided, single submitter. Criteria: ACMG Guidelines, 2015. Collection method: clinical testing. Allele origin: unknown. Affected: yes.
Comment: This variant was classified as: Uncertain significance. The available evidence on this variant's pathogenicity is insufficient or conflicting. The following ACMG criteria were applied in classifying this variant: PM2,BP4.